The following is an entry in ClinVar:

ClinVar aggregate classification (germline): Uncertain significance. Review status: criteria provided, multiple submitters, no conflicts (2 of 4 stars). 3 submissions from 3 submitters: Uncertain significance (3). Last evaluated 2026-04-15.

Conditions:
Rubinstein-Taybi syndrome due to EP300 haploinsufficiency. Also called: EP300-Related Rubinstein-Taybi Syndrome; RUBINSTEIN-TAYBI SYNDROME 2. Identifiers: Orphanet 353284, Orphanet 783, MedGen C3150941, MONDO:0013364, OMIM 613684.
Inborn genetic diseases. Identifiers: MedGen C0950123, MeSH D030342.

gnomAD v4.1: 1 of 1,614,196 alleles (0.000062%); highest among the groups gnomAD compares: Non-Finnish European, 0.000085%; no homozygotes.

Submissions (3):

GeneDx
Classification: Uncertain significance. Last evaluated: 2026-04-15. Review status: criteria provided, single submitter. Criteria: GeneDx Variant Classification Process June 2021. Collection method: clinical testing. Allele origin: germline.
Comment: Not observed at significant frequency in large population cohorts (gnomAD); In silico analysis supports that this missense variant has a deleterious effect on protein structure/function; Has not been previously published as pathogenic or benign to our knowledge

Labcorp Genetics (formerly Invitae), Labcorp
Classification: Uncertain significance for Rubinstein-Taybi syndrome due to EP300 haploinsufficiency. Last evaluated: 2025-03-20. Review status: criteria provided, single submitter. Criteria: Invitae Variant Classification Sherloc (09022015). Collection method: clinical testing. Allele origin: germline.
Comment: This sequence change replaces threonine, which is neutral and polar, with isoleucine, which is neutral and non-polar, at codon 558 of the EP300 protein (p.Thr558Ile). This variant is not present in population databases (gnomAD no frequency). This variant has not been reported in the literature in individuals affected with EP300-related conditions. ClinVar contains an entry for this variant (Variation ID: 2245673). Invitae Evidence Modeling of protein sequence and biophysical properties (such as structural, functional, and spatial information, amino acid conservation, physicochemical variation, residue mobility, and thermodynamic stability) indicates that this missense variant is not expected to disrupt EP300 protein function with a negative predictive value of 80%. In summary, the available evidence is currently insufficient to determine the role of this variant in disease. Therefore, it has been classified as a Variant of Uncertain Significance.

Ambry Genetics
Classification: Uncertain significance for Inborn genetic diseases. Last evaluated: 2021-08-16. Review status: criteria provided, single submitter. Criteria: Ambry Variant Classification Scheme 2023. Collection method: clinical testing. Allele origin: germline.

NM_001429.4(EP300):c.1673C>T (p.Thr558Ile)

Gene: EP300 (EP300 lysine acetyltransferase; plus strand). Cytogenetic location: 22q13.2.
Variant type: single nucleotide variant.
Coding change: c.1673C>T on transcript NM_001429.4 (MANE Select); coding-DNA position 1673, C replaced by T.
Protein change: p.Thr558Ile; replaces threonine 558 with isoleucine.
Molecular consequence: missense variant.
Genome position (GRCh38, 1-based): chr22:41,137,703, C>T. VCF-style: chr22-41137703-C-T. GRCh37 (hg19) VCF-style: chr22-41533707-C-T.
Other names: c.1673C>T, p.Thr558Ile (NM_001362843.2); short protein forms T558I.
Identifiers: ClinVar variation 2245673 (VCV002245673.5), dbSNP rs2518141344, ClinGen allele CA411687143.